The following is an entry in ClinVar:

ClinVar aggregate classification (germline): Conflicting classifications of pathogenicity. Review status: criteria provided, conflicting classifications (1 of 4 stars). 3 submissions from 3 submitters: Likely pathogenic (1); Uncertain significance (1). 1 of the submissions does not count toward it. Last evaluated 2026-01-13.

Conditions:
Cystinosis. Also called: Cystine diathesis; Cystine storage disease; Cystinoses. Identifiers: Orphanet 213, MedGen C4316899, MONDO:0016239.
Inborn genetic diseases. Identifiers: MedGen C0950123, MeSH D030342.
Ocular cystinosis. Also called: Non-Nephropathic (Ocular) Cystinosis; Non-Nephropathic Cystinosis. Identifiers: Orphanet 213, Orphanet 411641, MedGen C2931013, MONDO:0009064, OMIM 219750.
Juvenile nephropathic cystinosis. Also called: Later-Onset (Juvenile) Cystinosis; CYSTINOSIS, LATE-ONSET JUVENILE OR ADOLESCENT NEPHROPATHIC TYPE; Intermediate Cystinosis. Identifiers: Orphanet 213, Orphanet 411634, MedGen C0268626, MONDO:0009066, OMIM 219900.
Nephropathic cystinosis (CTNS). Also called: CYSTINOSIN, DEFECT OF; LYSOSOMAL CYSTINE TRANSPORT PROTEIN, DEFECT OF; Abderhalden Lignac Kaufmann disease; Abderhalden-Kaufmann-Lignac syndrome. Identifiers: Orphanet 213, Orphanet 411629, MedGen C2931187, MONDO:0100151, OMIM 219800.

Submissions (3):

Myriad Genetics, Inc.
Classification: Uncertain significance for Cystinosis. Last evaluated: 2026-01-13. Review status: criteria provided, single submitter. Criteria: Myriad Autosomal Dominant, Autosomal Recessive and X-Linked Classification Criteria (2023). Collection method: clinical testing. Allele origin: unknown.
Comment: NM_004937.2(CTNS):c.506G>A(G169D) is a missense variant classified as a variant of uncertain significance in the context of cystinosis. G169D has been observed in a case with relevant disease (PMID: 9792862). Relevant functional assessments of this variant are available in the literature (PMID: 15128704). G169D has not been observed in referenced population frequency databases. In summary, there is insufficient evidence to classify NM_004937.2(CTNS):c.506G>A(G169D) as pathogenic or benign. Please note: this variant was assessed in the context of healthy population screening.

Labcorp Genetics (formerly Invitae), Labcorp
Classification: Likely pathogenic for Inborn genetic diseases; Ocular cystinosis; Juvenile nephropathic cystinosis. Last evaluated: 2021-11-01. Review status: criteria provided, single submitter. Criteria: Invitae Variant Classification Sherloc (09022015). Collection method: clinical testing. Allele origin: germline.
Comment: In summary, the currently available evidence indicates that the variant is pathogenic, but additional data are needed to prove that conclusively. Therefore, this variant has been classified as Likely Pathogenic. Experimental studies have shown that this missense change affects CTNS function (PMID: 15128704). Advanced modeling of protein sequence and biophysical properties (such as structural, functional, and spatial information, amino acid conservation, physicochemical variation, residue mobility, and thermodynamic stability) performed at Invitae indicates that this missense variant is expected to disrupt CTNS protein function. ClinVar contains an entry for this variant (Variation ID: 4446). This variant is also known as 845G>A. This missense change has been observed in individual(s) with cystinosis (PMID: 9792862). This variant is not present in population databases (gnomAD no frequency). This sequence change replaces glycine, which is neutral and non-polar, with aspartic acid, which is acidic and polar, at codon 169 of the CTNS protein (p.Gly169Asp).

OMIM
Classification: Pathogenic for CYSTINOSIS, NEPHROPATHIC. Last evaluated: 1998-11-01. Review status: no assertion criteria provided. Collection method: literature only. Allele origin: germline. Not counted in ClinVar's aggregate classification.

Literature cited by the submitters: PubMed 15128704 (cited by Myriad Genetics, Inc. and Labcorp Genetics (formerly Invitae), Labcorp); PubMed 9792862 (cited by 3 submitters).

NM_004937.3(CTNS):c.506G>A (p.Gly169Asp)

Genes: CTNS (cystinosin, lysosomal cystine transporter; plus strand), CTNS-AS1 (CTNS antisense RNA 1; minus strand). Cytogenetic location: 17p13.2.
Variant type: single nucleotide variant.
Coding change: c.506G>A on transcript NM_004937.3 (MANE Select); coding-DNA position 506, G replaced by A.
Protein change: p.Gly169Asp; replaces glycine 169 with aspartic acid.
Molecular consequence: missense variant.
Genome position (GRCh38, 1-based): chr17:3,656,531, G>A. VCF-style: chr17-3656531-G-A. GRCh37 (hg19) VCF-style: chr17-3559825-G-A.
Other names: c.506G>A, p.Gly169Asp (NM_001031681.3, NM_001374492.1); c.65G>A, p.Gly22Asp (NM_001374493.1, NM_001374494.1, NM_001374495.1 and 1 more transcripts); short protein forms G169D, G22D.
Identifiers: ClinVar variation 4446 (VCV000004446.10), dbSNP rs121908126, ClinGen allele CA278065.